The following is an entry in ClinVar:

ClinVar aggregate classification (germline): Likely benign (1 of 4 stars; one submission).

Allele frequency attached by ClinVar (database versions not stated): gnomAD exomes below 0.00001; TOPMed 0.00001.
gnomAD v4.1: 11 of 1,613,980 alleles (0.00068%); highest among the groups gnomAD compares: Non-Finnish European, 0.00093%; no homozygotes.

Submission:

GeneDx
Classification: Likely benign. Last evaluated: 2018-01-08. Review status: criteria provided, single submitter. Criteria: GeneDx Variant Classification (06012015). Collection method: clinical testing. Allele origin: germline. Affected: yes.
Comment: This variant is considered likely benign or benign based on one or more of the following criteria: it is a conservative change, it occurs at a poorly conserved position in the protein, it is predicted to be benign by multiple in silico algorithms, and/or has population frequency not consistent with disease.

NM_001165963.4(SCN1A):c.3249A>C (p.Thr1083=)

Genes: SCN1A (sodium voltage-gated channel alpha subunit 1; minus strand), LOC102724058 (uncharacterized LOC102724058; plus strand). Cytogenetic location: 2q24.3.
Variant type: single nucleotide variant.
Coding change: c.3249A>C on transcript NM_001165963.4 (MANE Select); coding-DNA position 3249, A replaced by C.
Protein change: p.Thr1083=; no amino-acid change (threonine 1083 retained).
Molecular consequence: synonymous variant. On other transcripts: non-coding transcript variant (2).
Genome position (GRCh38, 1-based): chr2:166,036,228, T>G on the plus strand (A>C on the coding strand, the complement: SCN1A is on the minus strand). VCF-style: chr2-166036228-T-G. GRCh37 (hg19) VCF-style: chr2-166892738-T-G.
Other names: c.3165A>C, p.Thr1055= (NM_001165964.3, NM_001353957.2, NM_001353958.2); c.3249A>C, p.Thr1083= (NM_001202435.3, NM_001353948.2); c.3216A>C, p.Thr1072= (NM_001353949.2, NM_001353950.2, NM_001353951.2 and 2 more transcripts); c.3213A>C, p.Thr1071= (NM_001353954.2, NM_001353955.2); c.3162A>C, p.Thr1054= (NM_001353960.2); c.807A>C, p.Thr269= (NM_001353961.2).
Identifiers: ClinVar variation 514456 (VCV000514456.1), dbSNP rs1042252202, ClinGen allele CA59787252.
Genomic context (GRCh38, chr2:166,036,228, plus strand): 5'-CATGTAATCACTTTCATCAATAATGTATTTTTCAACACTGCTGCCAGTTCCTATACCACT[T>G]GTAGTTCCATTTACATCTTTAAGATAGTCAAGATCTTTCCCAATTTCTGCTGTATGATTG-3'
Protein context (NP_001159435.1, residues 1073-1093): LDYLKDVNGT[Thr1083=]SGIGTGSSVE